The following is an entry in ClinVar:

NM_020822.3(KCNT1):c.492-3C>A

Gene: KCNT1 (potassium sodium-activated channel subfamily T member 1; plus strand). Cytogenetic location: 9q34.3.
Variant type: single nucleotide variant.
Coding change: c.492-3C>A on transcript NM_020822.3 (MANE Select); 3 bases into the intron before coding-DNA position 492, C replaced by A.
Molecular consequence: intron variant.
Genome position (GRCh38, 1-based): chr9:135,755,118, C>A. VCF-style: chr9-135755118-C-A. GRCh37 (hg19) VCF-style: chr9-138646964-C-A.
Other names: c.348-3C>A (NM_001272003.2).
Identifiers: ClinVar variation 1348568 (VCV001348568.8), dbSNP rs1831398385, ClinGen allele CA1883851184.

ClinVar aggregate classification (germline): Uncertain significance. Review status: criteria provided, multiple submitters, no conflicts (2 of 4 stars). 2 submissions from 2 submitters: Uncertain significance (2). Last evaluated 2020-11-17.

Conditions:
Autosomal dominant nocturnal frontal lobe epilepsy 5. Also called: Epilepsy, nocturnal frontal lobe, 5; CILIARY DYSKINESIA, PRIMARY, 28, WITHOUT SITUS INVERSUS; CILIARY DYSKINESIA, PRIMARY, 28, WITH SITUS INVERSUS; KCNT1-Related Epilepsy. Identifiers: Orphanet 98784, MedGen C3554306, MONDO:0014002, OMIM 615005.
Developmental and epileptic encephalopathy, 14 (DEE14). Also called: Early infantile epileptic encephalopathy 14. Identifiers: Orphanet 293181, MedGen C3554195, MONDO:0013989, OMIM 614959.
Inborn genetic diseases. Identifiers: MedGen C0950123, MeSH D030342.

Submissions (2):

Labcorp Genetics (formerly Invitae), Labcorp
Classification: Uncertain significance for Autosomal dominant nocturnal frontal lobe epilepsy 5; Developmental and epileptic encephalopathy, 14. Last evaluated: 2020-11-17. Review status: criteria provided, single submitter. Criteria: Invitae Variant Classification Sherloc (09022015). Collection method: clinical testing. Allele origin: germline.
Comment: This sequence change falls in intron 5 of the KCNT1 gene. It does not directly change the encoded amino acid sequence of the KCNT1 protein. It affects a nucleotide within the consensus splice site of the intron. This variant is not present in population databases (ExAC no frequency). This variant has not been reported in the literature in individuals with KCNT1-related conditions. Nucleotide substitutions within the consensus splice site are a relatively common cause of aberrant splicing (PMID: 17576681, 9536098). Algorithms developed to predict the effect of sequence changes on RNA splicing suggest that this variant may disrupt the consensus splice site, but this prediction has not been confirmed by published transcriptional studies. In summary, the available evidence is currently insufficient to determine the role of this variant in disease. Therefore, it has been classified as a Variant of Uncertain Significance.

Ambry Genetics
Classification: Uncertain significance for Inborn genetic diseases. Last evaluated: 2020-01-24. Review status: criteria provided, single submitter. Criteria: Ambry Variant Classification Scheme 2023. Collection method: clinical testing. Allele origin: germline.
Comment: The c.492-3C>A intronic variant results from a C to A substitution 3 nucleotides upstream from coding exon 6 in the KCNT1 gene. This nucleotide position is well conserved in available vertebrate species. Using the BDGP and ESEfinder splice site prediction tools, this alteration is not predicted to have any significant effect on this splice acceptor site; however, direct evidence is unavailable. Since supporting evidence is limited at this time, the clinical significance of this alteration remains unclear.

Literature cited by the submitters: PubMed 17576681 (cited by Labcorp Genetics (formerly Invitae), Labcorp); PubMed 9536098 (cited by Labcorp Genetics (formerly Invitae), Labcorp).